The following is an entry in ClinVar:

ClinVar aggregate classification (germline): Likely pathogenic (1 of 4 stars; one submission).

Conditions:
Dilated cardiomyopathy 1G (CMD1G). Identifiers: Orphanet 154, MedGen C1858763, MONDO:0011400, OMIM 604145.
Autosomal recessive limb-girdle muscular dystrophy type 2J (LGMDR10). Also called: Limb-girdle muscular dystrophy, type 2J; MUSCULAR DYSTROPHY, LIMB-GIRDLE, AUTOSOMAL RECESSIVE 10. Identifiers: Orphanet 140922, MedGen C1837342, MONDO:0012127, OMIM 608807.

Submission:

Labcorp Genetics (formerly Invitae), Labcorp
Classification: Likely pathogenic for Dilated cardiomyopathy 1G; Autosomal recessive limb-girdle muscular dystrophy type 2J. Last evaluated: 2023-06-27. Review status: criteria provided, single submitter. Criteria: Invitae Variant Classification Sherloc (09022015). Collection method: clinical testing. Allele origin: germline.
Comment: In summary, the currently available evidence indicates that the variant is pathogenic, but additional data are needed to prove that conclusively. Therefore, this variant has been classified as Likely Pathogenic. This variant is located in the A band of TTN (PMID: 25589632). Truncating variants in this region are significantly overrepresented in patients affected with dilated cardiomyopathy (PMID: 25589632). Truncating variants in this region have also been reported in individuals affected with autosomal recessive centronuclear myopathy (PMID: 23975875). Algorithms developed to predict the effect of sequence changes on RNA splicing suggest that this variant may disrupt the consensus splice site. This variant has not been reported in the literature in individuals affected with TTN-related conditions. This variant is not present in population databases (gnomAD no frequency). This sequence change creates a premature translational stop signal (p.Tyr32470*) in the TTN gene. While this is not anticipated to result in nonsense mediated decay, it is expected to create a truncated TTN protein.

Literature cited by the submitters: PubMed 25589632; PubMed 23975875.

NM_001267550.2(TTN):c.97405_97408dup (p.Tyr32470Ter)

Genes: TTN-AS1 (TTN antisense RNA 1; plus strand), TTN (titin; minus strand). Cytogenetic location: 2q31.2.
Variant type: Duplication.
Coding change: c.97405_97408dup on transcript NM_001267550.2 (MANE Select); coding-DNA positions 97405 to 97408, 4 bases duplicated (GAGT; older notation c.97405_97408dupGAGT).
Protein change: p.Tyr32470Ter; replaces tyrosine 32470 with a stop codon.
Molecular consequence: nonsense. On other transcripts: non-coding transcript variant (1).
Genome position (GRCh38, 1-based): chr2:178,542,348-178,542,351, ACTC duplicated on the plus strand (GAGT on the coding strand, the reverse complement: TTN is on the minus strand); duplicating any 4 consecutive bases within chr2:178,542,348-178,542,352 gives the same sequence; the c. name uses the placement nearest the transcript's 3' end. VCF-style (leftmost placement, unchanged base first): chr2-178542347-T-TACTC. GRCh37 (hg19) VCF-style: chr2-179407074-T-TACTC.
Other names: c.92482_92485dup, p.Tyr30829Ter (NM_001256850.1); c.70210_70213dup, p.Tyr23405Ter (NM_003319.4); c.89701_89704dup, p.Tyr29902Ter (NM_133378.4); c.70585_70588dup, p.Tyr23530Ter (NM_133432.3); c.70786_70789dup, p.Tyr23597Ter (NM_133437.4); short protein forms Y29902*, Y32470*, Y23405*, Y23530*, Y30829*, Y23597*.
Identifiers: ClinVar variation 2948889 (VCV002948889.3), dbSNP rs2468887529, ClinGen allele CA2740095962.